The following is an entry in ClinVar:

ClinVar aggregate classification (germline): Uncertain significance (1 of 4 stars; one submission).

Conditions:
ITGA2-related disorder. Also called: ITGA2-related condition.

Allele frequency attached by ClinVar (database versions not stated): gnomAD exomes below 0.00001; gnomAD 0.00001.
gnomAD v4.1: 2 of 1,612,916 alleles (0.00012%); highest among the groups gnomAD compares: African/African-American, 0.0027%; no homozygotes.

Submission:

PreventionGenetics, part of Exact Sciences
Classification: Uncertain significance for ITGA2-related condition. Last evaluated: 2022-12-19. Review status: criteria provided, single submitter. Criteria: ACMG Guidelines, 2015. Collection method: clinical testing. Allele origin: germline.
Comment: The ITGA2 c.923G>C variant is predicted to result in the amino acid substitution p.Gly308Ala. To our knowledge, this variant has not been reported in the literature or in a large population database, indicating this variant is rare. At this time, the clinical significance of this variant is uncertain due to the absence of conclusive functional and genetic evidence.

NM_002203.4(ITGA2):c.923G>C (p.Gly308Ala)

Gene: ITGA2 (integrin subunit alpha 2; plus strand). Cytogenetic location: 5q11.2.
Variant type: single nucleotide variant.
Coding change: c.923G>C on transcript NM_002203.4 (MANE Select); coding-DNA position 923, G replaced by C.
Protein change: p.Gly308Ala; replaces glycine 308 with alanine.
Molecular consequence: missense variant. On other transcripts: non-coding transcript variant (5).
Genome position (GRCh38, 1-based): chr5:53,055,681, G>C. VCF-style: chr5-53055681-G-C. GRCh37 (hg19) VCF-style: chr5-52351511-G-C.
Other names: short protein forms G308A.
Identifiers: ClinVar variation 2630042 (VCV002630042.1), dbSNP rs1744596435, ClinGen allele CA359684888.